The following is an entry in ClinVar:

ClinVar aggregate classification (germline): Likely benign. Review status: criteria provided, multiple submitters, no conflicts (2 of 4 stars). 2 submissions from 2 submitters: Likely benign (2). Last evaluated 2026-05-01.

Allele frequency attached by ClinVar (database versions not stated): ExAC 0.00037; 1000 Genomes Project 0.00040; 1000 Genomes Project 30x 0.00062; TOPMed 0.00064; gnomAD 0.00071; gnomAD exomes 0.00087.
gnomAD v4.1: 1,287 of 1,536,982 alleles (0.084%); highest among the groups gnomAD compares: Non-Finnish European, 0.1%; 3 homozygotes.

Submissions (2):

CeGaT Center for Human Genetics Tuebingen
Classification: Likely benign. Last evaluated: 2026-05-01. Review status: criteria provided, single submitter. Criteria: CeGaT Center For Human Genetics Tuebingen Variant Classification Criteria Version 2. Collection method: clinical testing. Allele origin: germline. Affected: yes. Observed: 5 variant alleles.
Comment: WDR26: BP4, BP7, BS1

Blueprint Genetics
Classification: Likely benign. Last evaluated: 2024-11-19. Review status: criteria provided, single submitter. Criteria: ACMG Guidelines, 2015. Collection method: clinical testing. Allele origin: germline.

NM_001379403.1(WDR26):c.603C>T (p.Ala201=)

Gene: WDR26 (WD repeat domain 26; minus strand). Cytogenetic location: 1q42.12.
Variant type: single nucleotide variant.
Coding change: c.603C>T on transcript NM_001379403.1 (MANE Select); coding-DNA position 603, C replaced by T.
Protein change: p.Ala201=; no amino-acid change (alanine 201 retained).
Molecular consequence: synonymous variant.
Genome position (GRCh38, 1-based): chr1:224,433,803, G>A on the plus strand (C>T on the coding strand, the complement: WDR26 is on the minus strand). VCF-style: chr1-224433803-G-A. GRCh37 (hg19) VCF-style: chr1-224621505-G-A.
Other names: c.303C>T, p.Ala101= (NM_001115113.3, NM_025160.7).
Identifiers: ClinVar variation 2639930 (VCV002639930.25), dbSNP rs571231334, ClinGen allele CA1415180.
Genomic context (GRCh38, chr1:224,433,803, plus strand): 5'-GGAGAGCCGCTTCTTCTTCTTGAGGCTGCTGCCCAGTTCTGGGGTGGCCAAGGAAGAGGA[G>A]GCGGCGGTGGTGGCGGAGGCAGCTGCGACGGTGGCTGAGGATGCGGCGGCCGCCCCGCCG-3'
Protein context (NP_001366332.1, residues 191-211): TVAAASATTA[Ala201=]SSSLATPELG